The following is an entry in ClinVar:

ClinVar aggregate classification (germline): Likely pathogenic (1 of 4 stars; one submission).

Submission:

CeGaT Center for Human Genetics Tuebingen
Classification: Likely pathogenic. Last evaluated: 2024-07-01. Review status: criteria provided, single submitter. Criteria: CeGaT Center For Human Genetics Tuebingen Variant Classification Criteria Version 2. Collection method: clinical testing. Allele origin: germline. Affected: yes. Observed: 1 variant allele.
Comment: TRIO: PM1, PM2, PP2, PP3

NM_007118.4(TRIO):c.4274C>A (p.Pro1425Gln)

Gene: TRIO (trio Rho guanine nucleotide exchange factor; plus strand). Cytogenetic location: 5p15.2.
Variant type: single nucleotide variant.
Coding change: c.4274C>A on transcript NM_007118.4 (MANE Select); coding-DNA position 4274, C replaced by A.
Protein change: p.Pro1425Gln; replaces proline 1425 with glutamine.
Molecular consequence: missense variant. On other transcripts: non-coding transcript variant (1).
Genome position (GRCh38, 1-based): chr5:14,394,093, C>A. VCF-style: chr5-14394093-C-A. GRCh37 (hg19) VCF-style: chr5-14394202-C-A.
Other names: short protein forms P1425Q.
Identifiers: ClinVar variation 3257550 (VCV003257550.17).